The following is an entry in ClinVar:

ClinVar aggregate classification (germline): Likely pathogenic (1 of 4 stars; one submission).

Conditions:
Developmental and epileptic encephalopathy, 17 (DEE17). Also called: Early infantile epileptic encephalopathy 17. Identifiers: Orphanet 1934, MedGen C3809606, MONDO:0014199, OMIM 615473.
Neurodevelopmental disorder with involuntary movements (NEDIM). Identifiers: Orphanet 592564, MedGen C4479569, MONDO:0060491, OMIM 617493.

Submission:

Institute of Immunology and Genetics Kaiserslautern
Classification: Likely pathogenic for Neurodevelopmental disorder with involuntary movements; Developmental and epileptic encephalopathy, 17. Last evaluated: 2022-07-26. Review status: criteria provided, single submitter. Criteria: ACMG Guidelines, 2015. Collection method: clinical testing. Allele origin: de novo. Affected: yes.
Comment: ACMG Criteria: PS2, PM2, PM4; Variant was found in heterozygous state. De novo-status was confirmed via in-house segregation analysis.

NM_020988.3(GNAO1):c.116_118dup (p.Leu39_Gly40insVal)

Gene: GNAO1 (G protein subunit alpha o1; plus strand). Cytogenetic location: 16q13.
Variant type: Duplication.
Coding change: c.116_118dup on transcript NM_020988.3 (MANE Select); coding-DNA positions 116 to 118, 3 bases duplicated (TCG; older notation c.116_118dupTCG).
Protein change: p.Leu39_Gly40insVal.
Molecular consequence: inframe insertion.
Genome position (GRCh38, 1-based): chr16:56,192,351-56,192,353, TCG duplicated. VCF-style (leftmost placement, unchanged base first): chr16-56192350-C-CTCG. GRCh37 (hg19) VCF-style: chr16-56226262-C-CTCG.
Other names: c.116_118dup, p.Leu39_Gly40insVal (NM_138736.3).
Identifiers: ClinVar variation 3366980 (VCV003366980.1).